The following is an entry in ClinVar:

NM_000260.4(MYO7A):c.1935+2T>C

Gene: MYO7A (myosin VIIA; plus strand). Cytogenetic location: 11q13.5.
Variant type: single nucleotide variant.
Coding change: c.1935+2T>C on transcript NM_000260.4 (MANE Select); the canonical splice donor site of the intron after coding-DNA position 1935, T replaced by C.
Molecular consequence: splice donor variant.
Genome position (GRCh38, 1-based): chr11:77,172,887, T>C. VCF-style: chr11-77172887-T-C. GRCh37 (hg19) VCF-style: chr11-76883933-T-C.
Other names: c.1902+2T>C (NM_001369365.1); c.1935+2T>C (NM_001127180.2).
Identifiers: ClinVar variation 2835899 (VCV002835899.3), dbSNP rs2497044471, ClinGen allele CA381938643.

ClinVar aggregate classification (germline): Pathogenic (1 of 4 stars; one submission).

Submission:

Labcorp Genetics (formerly Invitae), Labcorp
Classification: Pathogenic. Last evaluated: 2025-01-15. Review status: criteria provided, single submitter. Criteria: Invitae Variant Classification Sherloc (09022015). Collection method: clinical testing. Allele origin: germline.
Comment: This sequence change affects a donor splice site in intron 16 of the MYO7A gene. It is expected to disrupt RNA splicing. Variants that disrupt the donor or acceptor splice site typically lead to a loss of protein function (PMID: 16199547), and loss-of-function variants in MYO7A are known to be pathogenic (PMID: 8900236, 25404053). This variant is not present in population databases (gnomAD no frequency). Disruption of this splice site has been observed in individuals with clinical features of Usher syndrome (PMID: 18181211; internal data). ClinVar contains an entry for this variant (Variation ID: 2835899). Algorithms developed to predict the effect of sequence changes on RNA splicing suggest that this variant may disrupt the consensus splice site. For these reasons, this variant has been classified as Pathogenic.

Literature cited by the submitters: PubMed 16199547; PubMed 8900236; PubMed 25404053; PubMed 18181211.